The following is an entry in ClinVar:

NM_006440.5(TXNRD2):c.173-70T>C

Gene: TXNRD2 (thioredoxin reductase 2; minus strand). Cytogenetic location: 22q11.21.
Variant type: single nucleotide variant.
Coding change: c.173-70T>C on transcript NM_006440.5 (MANE Select); 70 bases into the intron before coding-DNA position 173, T replaced by C.
Molecular consequence: intron variant.
Genome position (GRCh38, 1-based): chr22:19,919,669, A>G on the plus strand (T>C on the coding strand, the complement: TXNRD2 is on the minus strand). VCF-style: chr22-19919669-A-G. GRCh37 (hg19) VCF-style: chr22-19907192-A-G.
Other names: c.170-70T>C (NM_001352300.2); c.-116-70T>C (NM_001352302.2); c.83-70T>C (NM_001352301.2); c.173-70T>C (NM_001282512.3); c.77-70T>C (NM_001352303.2).
Identifiers: ClinVar variation 678637 (VCV000678637.2), dbSNP rs5748471, ClinGen allele CA14920365.

ClinVar aggregate classification (germline): Benign. Review status: criteria provided, multiple submitters, no conflicts (2 of 4 stars). 2 submissions from 2 submitters: Benign (2). Last evaluated 2018-06-14.

Allele frequency attached by ClinVar (database versions not stated): gnomAD exomes 0.58116; ESP Exome Variant Server 0.62900; gnomAD 0.65367 and 0.65852; TOPMed 0.67114; 1000 Genomes Project 30x 0.75359; 1000 Genomes Project 0.75439.
gnomAD v4.1: 855,852 of 1,449,978 alleles (59%); highest among the groups gnomAD compares: East Asian, 91%; 259,393 homozygotes.

Submissions (2):

GeneDx
Classification: Benign. Last evaluated: 2018-06-14. Review status: criteria provided, single submitter. Criteria: GeneDx Variant Classification (06012015). Collection method: clinical testing. Allele origin: germline. Affected: yes.
Comment: This variant is considered likely benign or benign based on one or more of the following criteria: it is a conservative change, it occurs at a poorly conserved position in the protein, it is predicted to be benign by multiple in silico algorithms, and/or has population frequency not consistent with disease.

Breakthrough Genomics
Classification: Benign. Review status: criteria provided, single submitter. Criteria: ACMG Guidelines, 2015. Collection method: not provided. Allele origin: germline. Inheritance: Autosomal recessive inheritance. Affected: yes.